The following is an entry in ClinVar:

NM_001927.4(DES):c.112G>A (p.Ala38Thr)

Gene: DES (desmin; plus strand). Cytogenetic location: 2q35.
Variant type: single nucleotide variant.
Coding change: c.112G>A on transcript NM_001927.4 (MANE Select); coding-DNA position 112, G replaced by A.
Protein change: p.Ala38Thr; replaces alanine 38 with threonine.
Molecular consequence: missense variant.
Genome position (GRCh38, 1-based): chr2:219,418,574, G>A. VCF-style: chr2-219418574-G-A. GRCh37 (hg19) VCF-style: chr2-220283296-G-A.
Other names: c.112G>A, p.Ala38Thr (NM_001382708.1, NM_001382709.1, NM_001382710.1 and 3 more transcripts); short protein forms A38T.
Identifiers: ClinVar variation 3839550 (VCV003839550.2).

ClinVar aggregate classification (germline): Uncertain significance. Review status: criteria provided, multiple submitters, no conflicts (2 of 4 stars). 2 submissions from 2 submitters: Uncertain significance (2). Last evaluated 2026-01-04.

Conditions:
Cardiovascular phenotype. Identifiers: MedGen CN230736.
Desmin-related myofibrillar myopathy (MFM1). Also called: Desminopathy; Desmin related myopathy (former name); Desmin storage myopathy (former name); Myofibrillar myopathy 1; MYOFIBRILLAR MYOPATHY WITH ARRHYTHMOGENIC RIGHT VENTRICULAR CARDIOMYOPATHY; DESMIN-RELATED MYOPATHY WITH ARRHYTHMOGENIC RIGHT VENTRICULAR CARDIOMYOPATHY. Identifiers: Orphanet 363543, Orphanet 98909, MedGen C1832370, MONDO:0011076, OMIM 601419.

Submissions (2):

Labcorp Genetics (formerly Invitae), Labcorp
Classification: Uncertain significance for Desmin-related myofibrillar myopathy. Last evaluated: 2026-01-04. Review status: criteria provided, single submitter. Criteria: Invitae Variant Classification Sherloc (09022015). Collection method: clinical testing. Allele origin: germline.
Comment: This sequence change replaces alanine, which is neutral and non-polar, with threonine, which is neutral and polar, at codon 38 of the DES protein (p.Ala38Thr). This variant is present in population databases (rs755197219, gnomAD 0.001%). This variant has not been reported in the literature in individuals affected with DES-related conditions. ClinVar contains an entry for this variant (Variation ID: 3839550). Invitae Evidence Modeling of protein sequence and biophysical properties (such as structural, functional, and spatial information, amino acid conservation, physicochemical variation, residue mobility, and thermodynamic stability) indicates that this missense variant is not expected to disrupt DES protein function with a negative predictive value of 80%. In summary, the available evidence is currently insufficient to determine the role of this variant in disease. Therefore, it has been classified as a Variant of Uncertain Significance.

Ambry Genetics
Classification: Uncertain significance for Cardiovascular phenotype. Last evaluated: 2024-12-17. Review status: criteria provided, single submitter. Criteria: Ambry Variant Classification Scheme 2023. Collection method: clinical testing. Allele origin: germline.
Comment: The p.A38T variant (also known as c.112G>A), located in coding exon 1 of the DES gene, results from a G to A substitution at nucleotide position 112. The alanine at codon 38 is replaced by threonine, an amino acid with similar properties. This amino acid position is conserved. In addition, this alteration is predicted to be tolerated by in silico analysis. Based on the available evidence, the clinical significance of this variant remains unclear.